The following is an entry in ClinVar:

NM_001371986.1(UNC80):c.8816G>A (p.Arg2939Gln)

Gene: UNC80 (unc-80 subunit of NALCN channel complex; plus strand). Cytogenetic location: 2q34.
Variant type: single nucleotide variant.
Coding change: c.8816G>A on transcript NM_001371986.1 (MANE Select); coding-DNA position 8816, G replaced by A.
Protein change: p.Arg2939Gln; replaces arginine 2939 with glutamine.
Molecular consequence: missense variant.
Genome position (GRCh38, 1-based): chr2:209,976,956, G>A. VCF-style: chr2-209976956-G-A. GRCh37 (hg19) VCF-style: chr2-210841680-G-A.
Other names: c.8618G>A, p.Arg2873Gln (NM_032504.2); c.8603G>A, p.Arg2868Gln (NM_182587.4); c.8618G>A (NM_032504.1); short protein forms R2873Q, R2939Q, R2868Q.
Identifiers: ClinVar variation 1499071 (VCV001499071.5), dbSNP rs376313479, ClinGen allele CA64658859.

ClinVar aggregate classification (germline): Uncertain significance. Review status: criteria provided, multiple submitters, no conflicts (2 of 4 stars). 2 submissions from 2 submitters: Uncertain significance (2). Last evaluated 2025-07-31.

Conditions:
Inborn genetic diseases. Identifiers: MedGen C0950123, MeSH D030342.

Allele frequency attached by ClinVar (database versions not stated): gnomAD exomes 0.00003 and 0.00006; TOPMed 0.00003; gnomAD 0.00004 and 0.00005.
gnomAD v4.1: 85 of 1,529,084 alleles (0.0056%); highest among the groups gnomAD compares: African/African-American, 0.016%; no homozygotes.

Submissions (2):

Ambry Genetics
Classification: Uncertain significance for Inborn genetic diseases. Last evaluated: 2025-07-31. Review status: criteria provided, single submitter. Criteria: Ambry Variant Classification Scheme 2023. Collection method: clinical testing. Allele origin: germline.

Labcorp Genetics (formerly Invitae), Labcorp
Classification: Uncertain significance. Last evaluated: 2022-10-25. Review status: criteria provided, single submitter. Criteria: Invitae Variant Classification Sherloc (09022015). Collection method: clinical testing. Allele origin: germline.
Comment: This sequence change replaces arginine, which is basic and polar, with glutamine, which is neutral and polar, at codon 2873 of the UNC80 protein (p.Arg2873Gln). This variant is present in population databases (rs376313479, gnomAD 0.01%). This variant has not been reported in the literature in individuals affected with UNC80-related conditions. ClinVar contains an entry for this variant (Variation ID: 1499071). Advanced modeling of protein sequence and biophysical properties (such as structural, functional, and spatial information, amino acid conservation, physicochemical variation, residue mobility, and thermodynamic stability) performed at Invitae indicates that this missense variant is not expected to disrupt UNC80 protein function. In summary, the available evidence is currently insufficient to determine the role of this variant in disease. Therefore, it has been classified as a Variant of Uncertain Significance.